The following is an entry in ClinVar:

NM_000334.4(SCN4A):c.3938C>T (p.Thr1313Met)

Genes: GH-LCR (growth hormone locus control region; plus strand), SCN4A (sodium voltage-gated channel alpha subunit 4; minus strand). Cytogenetic location: 17q23.3.
Variant type: single nucleotide variant.
Coding change: c.3938C>T on transcript NM_000334.4 (MANE Select); coding-DNA position 3938, C replaced by T.
Protein change: p.Thr1313Met; replaces threonine 1313 with methionine.
Molecular consequence: missense variant.
Genome position (GRCh38, 1-based): chr17:63,943,825, G>A on the plus strand (C>T on the coding strand, the complement: SCN4A is on the minus strand). VCF-style: chr17-63943825-G-A. GRCh37 (hg19) VCF-style: chr17-62021185-G-A.
Other names: short protein forms T1313M.
Identifiers: ClinVar variation 5904 (VCV000005904.45), dbSNP rs121908547, ClinGen allele CA117841.

ClinVar aggregate classification (germline): Pathogenic. Review status: criteria provided, multiple submitters, no conflicts (2 of 4 stars). 14 submissions from 14 submitters: Pathogenic (12). 2 of the submissions do not count toward it. Last evaluated 2026-01-11.

Conditions:
SCN4A-related non-dystrophic myotonia.
SCN4A-related myopathy, autosomal recessive. Identifiers: MedGen CN294783, MONDO:0100121.
SCN4A-related disorder. Also called: SCN4A-related disorders.
Congenital myasthenic syndrome 16. Identifiers: Orphanet 590, MedGen C3280112, MONDO:0013620, OMIM 614198.
Hyperkalemic periodic paralysis. Also called: Familial hyperkalemic periodic paralysis; Gamstorp disease. Identifiers: Orphanet 682, MedGen C0238357, MONDO:0008224, OMIM 170500, HP:0007215.
Hypokalemic periodic paralysis, type 2 (HOKPP2). Identifiers: Orphanet 681, MedGen C2750061, MONDO:0013234, OMIM 613345.
Potassium-aggravated myotonia. Also called: Myotonia congenita, atypical, acetazolamide-responsive; MYOTONIA CONGENITA, ACETAZOLAMIDE-RESPONSIVE; MYOTONIA CONGENITA, ATYPICAL; SODIUM CHANNEL MUSCLE DISEASE. Identifiers: Orphanet 612, Orphanet 99734, Orphanet 99735, Orphanet 99736, MedGen C2931826, MONDO:0018959, OMIM 608390.
Paramyotonia congenita of Von Eulenburg. Also called: Eulenburg disease; Myotonia congenita intermittens; Von Eulenburg paramyotonia congenita; Paramyotonia Congenita; PARALYSIS PERIODICA PARAMYOTONICA. Identifiers: Orphanet 684, MedGen C0221055, MONDO:0008195, OMIM 168300. Disease mechanism: loss of function.
Hypokalemic periodic paralysis, type 1. Also called: Hypokalemic Periodic Paralysis Type 1 (AD); HypoPP. Identifiers: Orphanet 681, MedGen C3714580, MONDO:0042979, OMIM 170400.

Allele frequency attached by ClinVar (database versions not stated): gnomAD exomes below 0.00001.
gnomAD v4.1: 2 of 1,612,284 alleles (0.00012%); highest among the groups gnomAD compares: Non-Finnish European, 0.00017%; no homozygotes.

Submissions (14):

Labcorp Genetics (formerly Invitae), Labcorp
Classification: Pathogenic for Hyperkalemic periodic paralysis. Last evaluated: 2026-01-11. Review status: criteria provided, single submitter. Criteria: Invitae Variant Classification Sherloc (09022015). Collection method: clinical testing. Allele origin: germline.
Comment: This sequence change replaces threonine, which is neutral and polar, with methionine, which is neutral and non-polar, at codon 1313 of the SCN4A protein (p.Thr1313Met). The frequency data for this variant in the population databases is considered unreliable, as metrics indicate poor data quality at this position in the gnomAD database. This missense change has been observed in individuals with autosomal dominant paramyotonia congenita (PMID: 1310898, 8044656, 14518676, 15790667, 18166706, 18337730, 19770477, 20445432, 21220685, 23771340, 23810313, 26834636, 27199537). It has also been observed to segregate with disease in related individuals. ClinVar contains an entry for this variant (Variation ID: 5904). Invitae Evidence Modeling of protein sequence and biophysical properties (such as structural, functional, and spatial information, amino acid conservation, physicochemical variation, residue mobility, and thermodynamic stability) indicates that this missense variant is expected to disrupt SCN4A protein function with a positive predictive value of 95%. Experimental studies have shown that this missense change affects SCN4A function (PMID: 7809121, 8910215). For these reasons, this variant has been classified as Pathogenic.

CeGaT Center for Human Genetics Tuebingen
Classification: Pathogenic. Last evaluated: 2024-12-01. Review status: criteria provided, single submitter. Criteria: CeGaT Center For Human Genetics Tuebingen Variant Classification Criteria Version 2. Collection method: clinical testing. Allele origin: germline. Affected: yes. Observed: 1 variant allele.
Comment: SCN4A: PP1:Strong, PM1, PM2, PM5, PS4:Moderate, PS3:Supporting

Athena Diagnostics
Classification: Pathogenic. Last evaluated: 2024-01-24. Review status: criteria provided, single submitter. Criteria: Athena Diagnostics Criteria. Collection method: clinical testing. Allele origin: unknown.
Comment: The frequency of this variant in the general population is consistent with pathogenicity (Genome Aggregation Database (gnomAD), Cambridge, MA (URL)). This variant has been identified in individuals with paramyotonia congenita and segregates with disease in multiple families. Assessment of experimental evidence suggests this variant results in abnormal protein function. (PMID: 7809121, 8740371, 30611854, 33430134)

Baylor Genetics
Classification: Pathogenic for Congenital myasthenic syndrome 16. Last evaluated: 2023-10-30. Review status: criteria provided, single submitter. Criteria: ACMG Guidelines, 2015. Collection method: clinical testing. Allele origin: unknown.

PreventionGenetics, part of Exact Sciences
Classification: Pathogenic for SCN4A-related condition. Last evaluated: 2023-02-03. Review status: criteria provided, single submitter. Criteria: ACMG Guidelines, 2015. Collection method: clinical testing. Allele origin: germline.
Comment: The SCN4A c.3938C>T variant is predicted to result in the amino acid substitution p.Thr1313Met. This variant has been reported in many individuals to be causative for paramyotonia congenita (McClatchey et al. 1992. PubMed ID: 1310898; Matthews et al. 2011. PubMed ID: 21220685). Functional studies suggest that the p.Thr1313Met substitution causes a disturbance in sodium channel inactivation (Yang et al. 1994. PubMed ID: 7809121). A different substitution at the same amino acid (p.Thr1313Ala) has also been observed in a patient with paramyotonia congenita, and may induce defects in sodium channel inactivation (Bouhours et al. 2003. PubMed ID: 14617673). This variant is reported in 0.00088% of alleles in individuals of European (Non-Finnish) descent in gnomAD. This variant is interpreted as pathogenic.

GeneDx
Classification: Pathogenic. Last evaluated: 2022-07-13. Review status: criteria provided, single submitter. Criteria: GeneDx Variant Classification Process June 2021. Collection method: clinical testing. Allele origin: germline. Affected: yes.
Comment: Not observed at significant frequency in large population cohorts (gnomAD); Published functional studies demonstrate a damaging effect as T1313M alters channel inactivation and voltage dependence compared to wild-type controls (Yang et al., 1994); In silico analysis supports that this missense variant has a deleterious effect on protein structure/function; Reported as a common pathogenic variant associated with paramyotonia congenita; This variant is associated with the following publications: (PMID: 8583225, 27199537, 8910215, 8740371, 29790872, 11054753, 32083589, 1310898, 27415035, 12872329, 10206477, 9130156, 7533571, 28877545, 30611854, 31567646, 32849172, 32670189, 33430134, 21220685, 30647473, 15318338, 7809121, 32660787)

MGZ Medical Genetics Center
Classification: Pathogenic for Paramyotonia congenita of Von Eulenburg. Last evaluated: 2022-05-18. Review status: criteria provided, single submitter. Criteria: ACMG Guidelines, 2015. Collection method: clinical testing. Allele origin: germline. Affected: yes. Observed: 1 variant allele.
Comment: ACMG criteria applied: PS3, PS4, PM2_SUP, PP1, PP3

Victorian Clinical Genetics Services, Murdoch Childrens Research Institute
Classification: Pathogenic for SCN4A-related myopathy, autosomal recessive. Last evaluated: 2022-02-02. Review status: criteria provided, single submitter. Criteria: ACMG Guidelines, 2015. Collection method: clinical testing. Allele origin: germline. Inheritance: Autosomal recessive inheritance. Affected: yes.
Comment: Based on the classification scheme VCGS_Germline_v1.3.4, this variant is classified as Pathogenic. Following criteria are met: 0103 - Loss of function (LoF) and gain of function (GoF) are known mechanisms of disease in this gene and are associated with SCN4A-related disease. GoF is a well characterised disease mechanism for autosomal dominant SCN4A-related diseases, while LoF is a mechanism associated with autosomal recessive SCN4A-related diseases (PMID: 26700687, OMIM). (I) 0108 - This gene is associated with both recessive and dominant disease. Variants in this gene are usually inherited in a dominant manner, however rare reports of recessive inheritance have been reported (PMID: 24549961, OMIM). (I) 0115 - Variants in this gene are known to have variable expressivity. Some individuals carrying pathogenic variants do not present with a typical clinical phenotype, however they do have detectable signs of myotonia on EMG (GeneReviews). (I) 0200 - Variant is predicted to result in a missense amino acid change from threonine to methionine. (I) 0251 - This variant is heterozygous. (I) 0304 - Variant is present in gnomAD (v2) <0.01 for a recessive condition (1 heterozygote, 0 homozygotes). (SP) 0501 - Missense variant consistently predicted to be damaging by multiple in silico tools or highly conserved with a major amino acid change. (SP) 0600 - Variant is located in the putative hydrophobic latch of the annotated sodium channel gate domain (NCBI). (I) 0801 - This variant has strong previous evidence of pathogenicity in unrelated individuals. This is one of the most frequently reported variants in individuals with paramyotonia congenita (ClinVar, PMID: 30647473, 32849172, 33430134). (I) Legend: (SP) - Supporting pathogenic, (I) - Information, (SB) - Supporting benign

Revvity Omics, Revvity
Classification: Pathogenic. Last evaluated: 2019-03-10. Review status: criteria provided, single submitter. Criteria: ACMG Guidelines, 2015. Collection method: clinical testing. Allele origin: germline.

Fulgent Genetics
Classification: Pathogenic for Paramyotonia congenita of Von Eulenburg; Hypokalemic periodic paralysis, type 1; Hyperkalemic periodic paralysis; Potassium-aggravated myotonia; Hypokalemic periodic paralysis, type 2; Congenital myasthenic syndrome 16. Last evaluated: 2018-10-31. Review status: criteria provided, single submitter. Criteria: ACMG Guidelines, 2015. Collection method: clinical testing. Allele origin: unknown.

HudsonAlpha Institute for Biotechnology
Classification: Pathogenic for Paramyotonia congenita of Von Eulenburg. Last evaluated: 2016-01-14. Review status: criteria provided, single submitter. Criteria: HA_assertions_20150911. Collection method: research. Allele origin: unknown, maternal. Observed: 2 variant alleles. Study: CSER-HudsonAlpha.

Clinical Genetics Service, Universitary Hospital 12 de Octubre
Classification: Pathogenic for Paramyotonia congenita of Von Eulenburg. Review status: criteria provided, single submitter. Criteria: ACMG Guidelines, 2015. Collection method: clinical testing. Allele origin: germline. Affected: yes.

Department of Neurology and Geriatrics, Kagoshima University Graduate School of Medical and Dental Sciences
Classification: Pathogenic for SCN4A-related non-dystrophic myotonia. Last evaluated: 2022-04-06. Review status: no assertion criteria provided. Collection method: research. Allele origin: germline. Affected: yes. Not counted in ClinVar's aggregate classification.

OMIM
Classification: Pathogenic for PARAMYOTONIA CONGENITA. Last evaluated: 2011-01-01. Review status: no assertion criteria provided. Collection method: literature only. Allele origin: germline. Not counted in ClinVar's aggregate classification.

Literature cited by the submitters: PubMed 1310898 (cited by 3 submitters); PubMed 8044656 (cited by Labcorp Genetics (formerly Invitae), Labcorp and Athena Diagnostics); PubMed 14518676 (cited by Labcorp Genetics (formerly Invitae), Labcorp and Athena Diagnostics); PubMed 15790667 (cited by Labcorp Genetics (formerly Invitae), Labcorp); PubMed 18166706 (cited by Labcorp Genetics (formerly Invitae), Labcorp and Athena Diagnostics); PubMed 18337730 (cited by Labcorp Genetics (formerly Invitae), Labcorp and Athena Diagnostics); PubMed 19770477 (cited by Labcorp Genetics (formerly Invitae), Labcorp and Athena Diagnostics); PubMed 20445432 (cited by Labcorp Genetics (formerly Invitae), Labcorp); PubMed 21220685 (cited by Labcorp Genetics (formerly Invitae), Labcorp and OMIM); PubMed 23771340 (cited by Labcorp Genetics (formerly Invitae), Labcorp); PubMed 23810313 (cited by Labcorp Genetics (formerly Invitae), Labcorp); PubMed 26834636 (cited by Labcorp Genetics (formerly Invitae), Labcorp); PubMed 27199537 (cited by Labcorp Genetics (formerly Invitae), Labcorp); PubMed 7809121 (cited by Labcorp Genetics (formerly Invitae), Labcorp and Athena Diagnostics); PubMed 8910215 (cited by Labcorp Genetics (formerly Invitae), Labcorp); PubMed 30647473 (cited by Athena Diagnostics and Victorian Clinical Genetics Services, Murdoch Childrens Research Institute); PubMed 30611854 (cited by Athena Diagnostics); PubMed 32849172 (cited by Athena Diagnostics and Victorian Clinical Genetics Services, Murdoch Childrens Research Institute); PubMed 31567646 (cited by Athena Diagnostics); PubMed 29790872 (cited by Athena Diagnostics); PubMed 27415035 (cited by Athena Diagnostics); PubMed 8583225 (cited by Athena Diagnostics and OMIM); PubMed 35907044 (cited by Athena Diagnostics); PubMed 35741838 (cited by Athena Diagnostics); PubMed 33430134 (cited by Athena Diagnostics and Victorian Clinical Genetics Services, Murdoch Childrens Research Institute); PubMed 12872329 (cited by Athena Diagnostics); PubMed 8740371 (cited by Athena Diagnostics); PubMed 24549961 (cited by Victorian Clinical Genetics Services, Murdoch Childrens Research Institute); PubMed 26700687 (cited by Victorian Clinical Genetics Services, Murdoch Childrens Research Institute); PubMed 7533571 (cited by OMIM).